The following is an entry in ClinVar:

ClinVar aggregate classification (germline): Uncertain significance (1 of 4 stars; one submission).

Conditions:
Glycine encephalopathy. Also called: Nonketotic hyperglycinemia; Non-ketotic hyperglycinemia. Identifiers: Orphanet 407, MedGen C0751748, MONDO:0011612, HP:0008288.

Submission:

Labcorp Genetics (formerly Invitae), Labcorp
Classification: Uncertain significance for Non-ketotic hyperglycinemia. Last evaluated: 2020-01-06. Review status: criteria provided, single submitter. Criteria: Invitae Variant Classification Sherloc (09022015). Collection method: clinical testing. Allele origin: germline.
Comment: This variant results in a copy number gain of the genomic region encompassing exons 1-3 of the GLDC gene. The 5' end of this event is unknown as it extends beyond the assayed region for this gene and therefore may encompass additional genes. The 3' boundary is likely confined to intron 3 of the GLDC gene. As the precise location of this event is unknown, it may be in tandem or it may be located elsewhere in the genome. A similar duplication of exons 1-3 has been reported in an individual suspected to be affected with nonketotic hyperglycinemia (PMID: 27362913). Experimental studies are not available for this variant, and the functional significance of a copy number gain of these exons is currently unknown. In summary, the available evidence is currently insufficient to determine the role of this variant in disease. Therefore, it has been classified as a Variant of Uncertain Significance.

Literature cited by the submitters: PubMed 27362913.

NC_000009.11:g.(?_6620164)_(6645519_?)dup

Genes: GLDC (glycine decarboxylase; minus strand), LOC130001538 (ATAC-STARR-seq lymphoblastoid active region 28191; plus strand). Cytogenetic location: 9p24.1.
Variant type: Duplication.
Identifiers: ClinVar variation 462850 (VCV000462850.3).